The following is an entry in ClinVar:

NM_000238.4(KCNH2):c.2503C>T (p.Arg835Trp)

Gene: KCNH2 (potassium voltage-gated channel subfamily H member 2; minus strand). Cytogenetic location: 7q36.1.
Variant type: single nucleotide variant.
Coding change: c.2503C>T on transcript NM_000238.4 (MANE Select); coding-DNA position 2503, C replaced by T.
Protein change: p.Arg835Trp; replaces arginine 835 with tryptophan.
Molecular consequence: missense variant.
Genome position (GRCh38, 1-based): chr7:150,948,945, G>A on the plus strand (C>T on the coding strand, the complement: KCNH2 is on the minus strand). VCF-style: chr7-150948945-G-A. GRCh37 (hg19) VCF-style: chr7-150646033-G-A.
Other names: c.2503C>T (LRG_288t1); c.1483C>T, p.Arg495Trp (NM_172057.3); short protein forms R495W, R835W.
Identifiers: ClinVar variation 67404 (VCV000067404.2), dbSNP rs199473003, ClinGen allele CA006850.

ClinVar aggregate classification (germline): Uncertain significance. Review status: criteria provided, single submitter (1 of 4 stars). 2 submissions from 2 submitters: Uncertain significance (1). 1 of the submissions does not count toward it. Last evaluated 2023-06-28.

Conditions:
Familial long QT syndrome (RWS). Also called: Congenital long QT syndrome; Romano-Ward syndrome; VENTRICULAR FIBRILLATION WITH PROLONGED QT INTERVAL. Identifiers: Orphanet 768, MedGen C1141890, MONDO:0019171.
Long QT syndrome (LQTS). Identifiers: MedGen C0023976, MeSH D008133, MONDO:0002442. Disease mechanism: loss of function. Inheritance: Various modes of inheritance.

Allele frequency attached by ClinVar (database versions not stated): gnomAD 0.00001; TOPMed 0.00001.
gnomAD v4.1: 1 of 1,614,072 alleles (0.000062%); no homozygotes.

Submissions (2):

All of Us Research Program, National Institutes of Health
Classification: Uncertain significance for Long QT syndrome. Last evaluated: 2023-06-28. Review status: criteria provided, single submitter. Criteria: ACMG Guidelines, 2015. Collection method: clinical testing. Allele origin: germline. Inheritance: Autosomal dominant inheritance. Observed: 1 variant allele, 1 heterozygote.
Comment: This study involves interpretation of variants in research participants for the purpose of population health screening. Participant phenotype was not available at the time of variant classification. Additional details can be found in publication PMID: 35346344, PMCID: PMC8962531

Cardiovascular Biomedical Research Unit, Royal Brompton & Harefield NHS Foundation Trust
No classification provided. Condition: Familial long QT syndrome. Review status: no classification provided. Collection method: literature only. Allele origin: germline. Not counted in ClinVar's aggregate classification.
Comment: This variant has been reported as associated with Long QT syndrome in the following publications (PMID:14998624). This is a literature report, and does not necessarily reflect the clinical interpretation of the Imperial College / Royal Brompton Cardiovascular Genetics laboratory.

Literature cited by the submitters: PubMed 14998624 (cited by Cardiovascular Biomedical Research Unit, Royal Brompton & Harefield NHS Foundation Trust); PubMed 22581653 (cited by Cardiovascular Biomedical Research Unit, Royal Brompton & Harefield NHS Foundation Trust).